The following is an entry in ClinVar:

NM_001267550.2(TTN):c.54381+1G>T

Genes: TTN (titin; minus strand), TTN-AS1 (TTN antisense RNA 1; plus strand). Cytogenetic location: 2q31.2.
Variant type: single nucleotide variant.
Coding change: c.54381+1G>T on transcript NM_001267550.2 (MANE Select); the canonical splice donor site of the intron after coding-DNA position 54381, G replaced by T.
Molecular consequence: splice donor variant.
Genome position (GRCh38, 1-based): chr2:178,604,707, C>A on the plus strand (G>T on the coding strand, the complement: TTN is on the minus strand). VCF-style: chr2-178604707-C-A. GRCh37 (hg19) VCF-style: chr2-179469434-C-A.
Other names: c.27186+1G>T (NM_003319.4); c.27762+1G>T (NM_133437.4); c.27561+1G>T (NM_133432.3); c.46677+1G>T (NM_133378.4); c.49458+1G>T (NM_001256850.1).
Identifiers: ClinVar variation 4843161 (VCV004843161.1).

ClinVar aggregate classification (germline): Likely pathogenic (1 of 4 stars; one submission).

Conditions:
Cardiovascular phenotype. Identifiers: MedGen CN230736.

Submission:

Ambry Genetics
Classification: Likely pathogenic for Cardiovascular phenotype. Last evaluated: 2025-12-30. Review status: criteria provided, single submitter. Criteria: Ambry Variant Classification Scheme 2023. Collection method: clinical testing. Allele origin: germline.
Comment: The c.27186+1G>T intronic variant results from a G to T substitution one nucleotide after coding exon 108 of the TTN gene. This exon is located in the A-band region of the N2-B isoform of the titin protein and is constitutively expressed in TTN transcripts (percent spliced in or PSI 100%). This nucleotide position is highly conserved in available vertebrate species. In silico splice site analysis predicts that this alteration will weaken the native splice donor site and may result in the creation or strengthening of a novel splice donor site.This variant is considered to be rare based on population cohorts in the Genome Aggregation Database (gnomAD). This variant disrupts the canonical splice site and is expected to cause aberrant splicing, resulting in an abnormal protein or a transcript that is subject to nonsense-mediated mRNA decay. While loss of function variants in TTN are present in 1-3% of the general population, truncating variants (a category that includes canonical splice site variants) in the A-band are the most common cause of dilated cardiomyopathy (DCM) (Herman DS et al. N. Engl. J. Med., 2012 Feb;366:619-28; Roberts AM et al. Sci Transl Med, 2015 Jan;7:270ra6). TTN truncating variants encoded in constitutive exons (PSI >90%) have been found to be significantly associated with DCM regardless of their position in titin (Schafer S et al. Nat. Genet., 2017 01;49:46-53; Akhtar MM et al. Circ Heart Fail, 2020 Oct;13:e006832; Massier M et al. Clin Genet, 2025 Jan). Based on the majority of available evidence to date, this variant is likely to be pathogenic.